The following is an entry in ClinVar:

NM_014639.4(SKIC3):c.930T>A (p.Tyr310Ter)

Gene: SKIC3 (SKI3 subunit of superkiller complex; minus strand). Cytogenetic location: 5q15.
Variant type: single nucleotide variant.
Coding change: c.930T>A on transcript NM_014639.4 (MANE Select); coding-DNA position 930, T replaced by A.
Protein change: p.Tyr310Ter; replaces tyrosine 310 with a stop codon.
Molecular consequence: nonsense.
Genome position (GRCh38, 1-based): chr5:95,529,065, A>T on the plus strand (T>A on the coding strand, the complement: SKIC3 is on the minus strand). VCF-style: chr5-95529065-A-T. GRCh37 (hg19) VCF-style: chr5-94864769-A-T.
Other names: short protein forms Y310*.
Identifiers: ClinVar variation 2776490 (VCV002776490.3), dbSNP rs1747685854, ClinGen allele CA360466426.

ClinVar aggregate classification (germline): Pathogenic (1 of 4 stars; one submission).

Allele frequency attached by ClinVar (database versions not stated): gnomAD exomes below 0.00001; TOPMed below 0.00001.
gnomAD v4.1: 1 of 1,613,792 alleles (0.000062%); highest among the groups gnomAD compares: Non-Finnish European, 0.000085%; no homozygotes.

Submission:

Labcorp Genetics (formerly Invitae), Labcorp
Classification: Pathogenic. Last evaluated: 2023-09-15. Review status: criteria provided, single submitter. Criteria: Invitae Variant Classification Sherloc (09022015). Collection method: clinical testing. Allele origin: germline.
Comment: For these reasons, this variant has been classified as Pathogenic. This variant has not been reported in the literature in individuals affected with TTC37-related conditions. This variant is not present in population databases (gnomAD no frequency). This sequence change creates a premature translational stop signal (p.Tyr310*) in the TTC37 gene. It is expected to result in an absent or disrupted protein product. Loss-of-function variants in TTC37 are known to be pathogenic (PMID: 20176027, 21120949).

Literature cited by the submitters: PubMed 20176027; PubMed 21120949.